The following is an entry in ClinVar:

ClinVar aggregate classification (germline): Uncertain significance (1 of 4 stars; one submission).

Conditions:
Familial adenomatous polyposis 1 (FAP1). Also called: FAMILIAL ADENOMATOUS POLYPOSIS 1, ATTENUATED; POLYPOSIS, ADENOMATOUS INTESTINAL. Identifiers: MedGen C2713442, MONDO:0021056, OMIM 175100. Disease mechanism: loss of function.

Allele frequency attached by ClinVar (database versions not stated): gnomAD exomes 0.00001; TOPMed 0.00002.

Submission:

Labcorp Genetics (formerly Invitae), Labcorp
Classification: Uncertain significance for Familial adenomatous polyposis 1. Last evaluated: 2026-01-25. Review status: criteria provided, single submitter. Criteria: Invitae Variant Classification Sherloc (09022015). Collection method: clinical testing. Allele origin: germline.
Comment: This variant occurs in a non-coding region of the APC gene. It does not change the encoded amino acid sequence of the APC protein. This variant is not present in population databases (gnomAD no frequency). This variant has not been reported in the literature in individuals affected with APC-related conditions. ClinVar contains an entry for this variant (Variation ID: 469886). Experimental studies and prediction algorithms are not available or were not evaluated, and the functional significance of this variant is currently unknown. In summary, the available evidence is currently insufficient to determine the role of this variant in disease. Therefore, it has been classified as a Variant of Uncertain Significance.

NC_000005.10:g.112707386G>C

Gene: APC (APC regulator of Wnt signaling pathway; plus strand). Cytogenetic location: 5q22.2.
Variant type: single nucleotide variant.
Genome position: GRCh38 VCF-style: chr5-112707386-G-C. GRCh37 (hg19) VCF-style: chr5-112043083-G-C.
Identifiers: ClinVar variation 469886 (VCV000469886.9), dbSNP rs1351477360, ClinGen allele CA658655872.